The following is an entry in ClinVar:

ClinVar aggregate classification (germline): Likely benign. Review status: criteria provided, multiple submitters, no conflicts (2 of 4 stars). 4 submissions from 4 submitters: Likely benign (4). Last evaluated 2024-10-12.

Conditions:
Developmental and epileptic encephalopathy, 2 (DEE2). Also called: CDKL5 deficiency disorder; INFANTILE SPASM SYNDROME, X-LINKED 2. Identifiers: Orphanet 1934, Orphanet 3451, Orphanet 505652, MedGen C4750718, MONDO:0010396, OMIM 300672.
Angelman syndrome-like. Identifiers: MedGen CN128785.
Inborn genetic diseases. Identifiers: MedGen C0950123, MeSH D030342.

Allele frequency attached by ClinVar (database versions not stated): gnomAD exomes 0.00001 and 0.00007; TOPMed 0.00001; gnomAD 0.00004 and 0.00005.
gnomAD v4.1: 79 of 1,180,695 alleles (0.0067%); highest among the groups gnomAD compares: Non-Finnish European, 0.0085%; 2 homozygotes.

Submissions (4):

Labcorp Genetics (formerly Invitae), Labcorp
Classification: Likely benign for Developmental and epileptic encephalopathy, 2; Angelman syndrome-like. Last evaluated: 2024-10-12. Review status: criteria provided, single submitter. Criteria: Invitae Variant Classification Sherloc (09022015). Collection method: clinical testing. Allele origin: germline.

Blueprint Genetics
Classification: Likely benign. Last evaluated: 2024-09-06. Review status: criteria provided, single submitter. Criteria: ACMG Guidelines, 2015. Collection method: clinical testing. Allele origin: germline.

Ambry Genetics
Classification: Likely benign for Inborn genetic diseases. Last evaluated: 2017-12-20. Review status: criteria provided, single submitter. Criteria: Ambry Variant Classification Scheme 2023. Collection method: clinical testing. Allele origin: germline.

GeneDx
Classification: Likely benign. Last evaluated: 2017-08-23. Review status: criteria provided, single submitter. Criteria: GeneDx Variant Classification (06012015). Collection method: clinical testing. Allele origin: germline. Affected: yes.
Comment: This variant is considered likely benign or benign based on one or more of the following criteria: it is a conservative change, it occurs at a poorly conserved position in the protein, it is predicted to be benign by multiple in silico algorithms, and/or has population frequency not consistent with disease.

NM_001323289.2(CDKL5):c.747T>C (p.Phe249=)

Gene: CDKL5 (cyclin dependent kinase like 5; plus strand). Cytogenetic location: Xp22.13.
Variant type: single nucleotide variant.
Coding change: c.747T>C on transcript NM_001323289.2 (MANE Select); coding-DNA position 747, T replaced by C.
Protein change: p.Phe249=; no amino-acid change (phenylalanine 249 retained).
Molecular consequence: synonymous variant.
Genome position (GRCh38, 1-based): chrX:18,595,350, T>C. VCF-style: chrX-18595350-T-C. GRCh37 (hg19) VCF-style: chrX-18613470-T-C.
Other names: c.747T>C, p.Phe249= (NM_001037343.2, NM_003159.3).
Identifiers: ClinVar variation 506557 (VCV000506557.9), dbSNP rs1249923057, ClinGen allele CA515470479.